The following is an entry in ClinVar:

NM_000334.4(SCN4A):c.5499G>A (p.Glu1833=)

Genes: GH-LCR (growth hormone locus control region; plus strand), SCN4A (sodium voltage-gated channel alpha subunit 4; minus strand). Cytogenetic location: 17q23.3.
Variant type: single nucleotide variant.
Coding change: c.5499G>A on transcript NM_000334.4 (MANE Select); coding-DNA position 5499, G replaced by A.
Protein change: p.Glu1833=; no amino-acid change (glutamic acid 1833 retained).
Molecular consequence: synonymous variant.
Genome position (GRCh38, 1-based): chr17:63,940,783, C>T on the plus strand (G>A on the coding strand, the complement: SCN4A is on the minus strand). VCF-style: chr17-63940783-C-T. GRCh37 (hg19) VCF-style: chr17-62018143-C-T.
Other names: p.Glu1833=.
Identifiers: ClinVar variation 255859 (VCV000255859.21), dbSNP rs116469710, ClinGen allele CA8708736.

ClinVar aggregate classification (germline): Benign. Review status: criteria provided, multiple submitters, no conflicts (2 of 4 stars). 11 submissions from 7 submitters: Benign (11). Last evaluated 2026-02-01.

Conditions:
Hypokalemic periodic paralysis, type 2 (HOKPP2). Identifiers: Orphanet 681, MedGen C2750061, MONDO:0013234, OMIM 613345.
Congenital myasthenic syndrome 16. Identifiers: Orphanet 590, MedGen C3280112, MONDO:0013620, OMIM 614198.
Paramyotonia congenita of Von Eulenburg. Also called: Paramyotonia Congenita; Eulenburg disease; Myotonia congenita intermittens; Von Eulenburg paramyotonia congenita; PARALYSIS PERIODICA PARAMYOTONICA. Identifiers: Orphanet 684, MedGen C0221055, MONDO:0008195, OMIM 168300. Disease mechanism: loss of function.
Hyperkalemic periodic paralysis. Also called: Familial hyperkalemic periodic paralysis; Gamstorp disease. Identifiers: Orphanet 682, MedGen C0238357, MONDO:0008224, OMIM 170500, HP:0007215.
Potassium-aggravated myotonia. Also called: SODIUM CHANNEL MUSCLE DISEASE; MYOTONIA CONGENITA, ACETAZOLAMIDE-RESPONSIVE; MYOTONIA CONGENITA, ATYPICAL; Myotonia congenita, atypical, acetazolamide-responsive. Identifiers: Orphanet 612, Orphanet 99734, Orphanet 99735, Orphanet 99736, MedGen C2931826, MONDO:0018959, OMIM 608390.

Allele frequency attached by ClinVar (database versions not stated): gnomAD exomes 0.00060 and 0.00164; 1000 Genomes Project 0.00639; 1000 Genomes Project 30x 0.00640; gnomAD 0.00662 and 0.00716; ESP Exome Variant Server 0.00735; ExAC 0.00214; TOPMed 0.00720.
gnomAD v4.1: 1,874 of 1,574,158 alleles (0.12%); highest among the groups gnomAD compares: African/African-American, 2.3%; 25 homozygotes.

Submissions (11):

Labcorp Genetics (formerly Invitae), Labcorp
Classification: Benign for Hyperkalemic periodic paralysis. Last evaluated: 2026-02-01. Review status: criteria provided, single submitter. Criteria: Invitae Variant Classification Sherloc (09022015). Collection method: clinical testing. Allele origin: germline.

Mayo Clinic Laboratories, Mayo Clinic
Classification: Benign. Last evaluated: 2023-09-27. Review status: criteria provided, single submitter. Criteria: ACMG Guidelines, 2015. Collection method: clinical testing. Allele origin: germline. Observed: 5 variant alleles.
Comment: BS1, BS2, BP4, BP7

Athena Diagnostics
Classification: Benign. Last evaluated: 2018-02-14. Review status: criteria provided, single submitter. Criteria: Athena Diagnostics Criteria. Collection method: clinical testing. Allele origin: germline.

Illumina Laboratory Services, Illumina
Classification: Benign for Hyperkalemic periodic paralysis. Last evaluated: 2018-01-12. Review status: criteria provided, single submitter. Criteria: ICSL Variant Classification Criteria 13 December 2019. Collection method: clinical testing. Allele origin: germline.
Comment: This variant was observed in the ICSL laboratory as part of a predisposition screen in an ostensibly healthy population. It had not been previously curated by ICSL or reported in the Human Gene Mutation Database (HGMD: prior to June 1st, 2018), and was therefore a candidate for classification through an automated scoring system. Utilizing variant allele frequency, disease prevalence and penetrance estimates, and inheritance mode, an automated score was calculated to assess if this variant is too frequent to cause the disease. Based on the score and internal cut-off values, a variant classified as benign is not then subjected to further curation. The score for this variant resulted in a classification of benign for this disease.

Illumina Laboratory Services, Illumina
Classification: Benign for Potassium-aggravated myotonia. Last evaluated: 2018-01-12. Review status: criteria provided, single submitter. Criteria: ICSL Variant Classification Criteria 13 December 2019. Collection method: clinical testing. Allele origin: germline.
Comment: the same text as in the submission from Illumina Laboratory Services, Illumina above.

Illumina Laboratory Services, Illumina
Classification: Benign for Paramyotonia congenita of Von Eulenburg. Last evaluated: 2018-01-12. Review status: criteria provided, single submitter. Criteria: ICSL Variant Classification Criteria 13 December 2019. Collection method: clinical testing. Allele origin: germline.
Comment: the same text as in the submission from Illumina Laboratory Services, Illumina above.

Illumina Laboratory Services, Illumina
Classification: Benign for Congenital myasthenic syndrome 16. Last evaluated: 2018-01-12. Review status: criteria provided, single submitter. Criteria: ICSL Variant Classification Criteria 13 December 2019. Collection method: clinical testing. Allele origin: germline.
Comment: the same text as in the submission from Illumina Laboratory Services, Illumina above.

Illumina Laboratory Services, Illumina
Classification: Benign for Hypokalemic periodic paralysis, type 2. Last evaluated: 2018-01-12. Review status: criteria provided, single submitter. Criteria: ICSL Variant Classification Criteria 13 December 2019. Collection method: clinical testing. Allele origin: germline.
Comment: the same text as in the submission from Illumina Laboratory Services, Illumina above.

GeneDx
Classification: Benign. Last evaluated: 2017-01-05. Review status: criteria provided, single submitter. Criteria: GeneDx Variant Classification (06012015). Collection method: clinical testing. Allele origin: germline. Affected: yes.
Comment: This variant is considered likely benign or benign based on one or more of the following criteria: it is a conservative change, it occurs at a poorly conserved position in the protein, it is predicted to be benign by multiple in silico algorithms, and/or has population frequency not consistent with disease.

Breakthrough Genomics
Classification: Benign. Review status: criteria provided, single submitter. Criteria: ACMG Guidelines, 2015. Collection method: not provided. Allele origin: germline. Inheritance: Autosomal recessive inheritance. Affected: yes.

PreventionGenetics, part of Exact Sciences
Classification: Benign. Review status: criteria provided, single submitter. Criteria: ACMG Guidelines, 2015. Collection method: clinical testing. Allele origin: germline.